The following is an entry in ClinVar:

ClinVar aggregate classification (germline): Likely pathogenic (1 of 4 stars; one submission).

Submission:

Labcorp Genetics (formerly Invitae), Labcorp
Classification: Likely pathogenic. Last evaluated: 2023-11-04. Review status: criteria provided, single submitter. Criteria: Invitae Variant Classification Sherloc (09022015). Collection method: clinical testing. Allele origin: germline.
Comment: This sequence change affects the initiator methionine of the SLC45A2 mRNA. The next in-frame methionine is located at codon 37. This variant is not present in population databases (gnomAD no frequency). Disruption of the initiator codon has been observed in individual(s) with oculocutaneous albinism (Invitae). In at least one individual the data is consistent with being in trans (on the opposite chromosome) from a pathogenic variant. In summary, the currently available evidence indicates that the variant is pathogenic, but additional data are needed to prove that conclusively. Therefore, this variant has been classified as Likely Pathogenic.

NM_016180.5(SLC45A2):c.2T>G (p.Met1Arg)

Gene: SLC45A2 (solute carrier family 45 member 2; minus strand). Cytogenetic location: 5p13.2.
Variant type: single nucleotide variant.
Coding change: c.2T>G on transcript NM_016180.5 (MANE Select); coding-DNA position 2, T replaced by G.
Protein change: p.Met1Arg; changes the start codon (methionine 1).
Molecular consequence: missense variant, initiator codon variant.
Genome position (GRCh38, 1-based): chr5:33,984,582, A>C on the plus strand (T>G on the coding strand, the complement: SLC45A2 is on the minus strand). VCF-style: chr5-33984582-A-C. GRCh37 (hg19) VCF-style: chr5-33984687-A-C.
Other names: c.2T>G, p.Met1Arg (NM_001012509.4, NM_001297417.4); short protein forms M1R.
Identifiers: ClinVar variation 2693344 (VCV002693344.3), dbSNP rs764544992, ClinGen allele CA359398115.